The following is an entry in ClinVar:

NM_001134407.3(GRIN2A):c.1498-34C>T

Gene: GRIN2A (glutamate ionotropic receptor NMDA type subunit 2A; minus strand). Cytogenetic location: 16p13.2.
Variant type: single nucleotide variant.
Coding change: c.1498-34C>T on transcript NM_001134407.3 (MANE Select); 34 bases into the intron before coding-DNA position 1498, C replaced by T.
Molecular consequence: intron variant.
Genome position (GRCh38, 1-based): chr16:9,840,834, G>A on the plus strand (C>T on the coding strand, the complement: GRIN2A is on the minus strand). VCF-style: chr16-9840834-G-A. GRCh37 (hg19) VCF-style: chr16-9934691-G-A.
Other names: c.1498-34C>T (NM_001134408.2, NM_000833.5).
Identifiers: ClinVar variation 670762 (VCV000670762.1), dbSNP rs9924016, ClinGen allele CA7896705.

ClinVar aggregate classification (germline): Likely benign (1 of 4 stars; one submission).

Allele frequency attached by ClinVar (database versions not stated): ExAC 0.00020.

Submission:

GeneDx
Classification: Likely benign. Last evaluated: 2018-06-14. Review status: criteria provided, single submitter. Criteria: GeneDx Variant Classification (06012015). Collection method: clinical testing. Allele origin: germline. Affected: yes.
Comment: This variant is considered likely benign or benign based on one or more of the following criteria: it is a conservative change, it occurs at a poorly conserved position in the protein, it is predicted to be benign by multiple in silico algorithms, and/or has population frequency not consistent with disease.